The following is an entry in ClinVar:

NM_004329.3(BMPR1A):c.1255A>T (p.Lys419Ter)

Gene: BMPR1A (bone morphogenetic protein receptor type 1A; plus strand). Cytogenetic location: 10q23.2.
Variant type: single nucleotide variant.
Coding change: c.1255A>T on transcript NM_004329.3 (MANE Select); coding-DNA position 1255, A replaced by T.
Protein change: p.Lys419Ter; replaces lysine 419 with a stop codon.
Molecular consequence: nonsense.
Genome position (GRCh38, 1-based): chr10:86,921,608, A>T. VCF-style: chr10-86921608-A-T. GRCh37 (hg19) VCF-style: chr10-88681365-A-T.
Other names: c.1255A>T (NM_004329.2); short protein forms K419*.
Identifiers: ClinVar variation 1375333 (VCV001375333.9), dbSNP rs2133607319, ClinGen allele CA377462123.

ClinVar aggregate classification (germline): Pathogenic. Review status: criteria provided, multiple submitters, no conflicts (2 of 4 stars). 3 submissions from 3 submitters: Pathogenic (3). Last evaluated 2023-12-15.

Conditions:
Juvenile polyposis syndrome (JPS). Identifiers: Orphanet 2929, MedGen C0345893, MONDO:0017380, OMIM 174900.
Hereditary cancer-predisposing syndrome. Also called: Hereditary neoplastic syndrome; Hereditary Cancer Syndrome; Neoplastic Syndromes, Hereditary; Tumor predisposition. Identifiers: Orphanet 140162, MedGen C0027672, MeSH D009386, MONDO:0015356.

Submissions (3):

Ambry Genetics
Classification: Pathogenic for Hereditary cancer-predisposing syndrome. Last evaluated: 2023-12-15. Review status: criteria provided, single submitter. Criteria: Ambry Variant Classification Scheme 2023. Collection method: clinical testing. Allele origin: germline.
Comment: The p.K419* pathogenic mutation (also known as c.1255A>T), located in coding exon 9 of the BMPR1A gene, results from an A to T substitution at nucleotide position 1255. This changes the amino acid from a lysine to a stop codon within coding exon 9. This alteration is expected to result in loss of function by premature protein truncation or nonsense-mediated mRNA decay. As such, this alteration is interpreted as a disease-causing mutation.

Myriad Genetics, Inc.
Classification: Pathogenic for Juvenile polyposis syndrome. Last evaluated: 2023-05-26. Review status: criteria provided, single submitter. Criteria: Myriad Autosomal Dominant, Autosomal Recessive and X-Linked Classification Criteria (2023). Collection method: clinical testing. Allele origin: unknown.
Comment: This variant is considered pathogenic. This variant creates a termination codon and is predicted to result in premature protein truncation.

Labcorp Genetics (formerly Invitae), Labcorp
Classification: Pathogenic for Juvenile polyposis syndrome. Last evaluated: 2022-06-10. Review status: criteria provided, single submitter. Criteria: Invitae Variant Classification Sherloc (09022015). Collection method: clinical testing. Allele origin: germline.
Comment: For these reasons, this variant has been classified as Pathogenic. This variant has not been reported in the literature in individuals affected with BMPR1A-related conditions. This variant is not present in population databases (gnomAD no frequency). This sequence change creates a premature translational stop signal (p.Lys419*) in the BMPR1A gene. It is expected to result in an absent or disrupted protein product. Loss-of-function variants in BMPR1A are known to be pathogenic (PMID: 11536076, 12417513).

Literature cited by the submitters: PubMed 11536076 (cited by Labcorp Genetics (formerly Invitae), Labcorp); PubMed 12417513 (cited by Labcorp Genetics (formerly Invitae), Labcorp).